The following is an entry in ClinVar:

ClinVar aggregate classification (germline): Uncertain significance (1 of 4 stars; one submission).

Conditions:
Hereditary cancer-predisposing syndrome. Also called: Neoplastic Syndromes, Hereditary; Tumor predisposition; Hereditary neoplastic syndrome; Hereditary Cancer Syndrome. Identifiers: Orphanet 140162, MedGen C0027672, MeSH D009386, MONDO:0015356.

Submission:

Ambry Genetics
Classification: Uncertain significance for Hereditary cancer-predisposing syndrome. Last evaluated: 2026-09-05. Review status: criteria provided, single submitter. Criteria: Ambry Variant Classification Scheme 2023. Collection method: clinical testing. Allele origin: germline.
Comment: The p.I691N variant (also known as c.2072T>A), located in coding exon 13 of the BRIP1 gene, results from a T to A substitution at nucleotide position 2072. The isoleucine at codon 691 is replaced by asparagine, an amino acid with dissimilar properties. This amino acid position is conserved. In addition, this alteration is predicted to be deleterious by in silico analysis. Based on the available evidence, the clinical significance of this variant remains unclear.

NM_032043.3(BRIP1):c.2072T>A (p.Ile691Asn)

Gene: BRIP1 (BRCA1 interacting DNA helicase 1; minus strand). Cytogenetic location: 17q23.2.
Variant type: single nucleotide variant.
Coding change: c.2072T>A on transcript NM_032043.3 (MANE Select); coding-DNA position 2072, T replaced by A.
Protein change: p.Ile691Asn; replaces isoleucine 691 with asparagine.
Molecular consequence: missense variant.
Genome position (GRCh38, 1-based): chr17:61,776,426, A>T on the plus strand (T>A on the coding strand, the complement: BRIP1 is on the minus strand). VCF-style: chr17-61776426-A-T. GRCh37 (hg19) VCF-style: chr17-59853787-A-T.
Other names: short protein forms I691N.
Identifiers: ClinVar variation 5033466 (VCV005033466.1).